The following is an entry in ClinVar:

ClinVar aggregate classification (germline): Uncertain significance (1 of 4 stars; one submission).

Submission:

GeneDx
Classification: Uncertain significance. Last evaluated: 2022-11-14. Review status: criteria provided, single submitter. Criteria: GeneDx Variant Classification Process June 2021. Collection method: clinical testing. Allele origin: germline. Affected: yes.
Comment: Has not been previously published as pathogenic or benign to our knowledge; Not observed at significant frequency in large population cohorts (gnomAD); Although located in a calcium-binding EGF-like domain of the FBN2 gene, it does not substitute or introduce a cysteine residue (Callewaert et al., 2009; Frederic et al., 2009); In silico analysis supports that this missense variant has a deleterious effect on protein structure/function

NM_001999.4(FBN2):c.3874G>T (p.Asp1292Tyr)

Gene: FBN2 (fibrillin 2; minus strand). Cytogenetic location: 5q23.3.
Variant type: single nucleotide variant.
Coding change: c.3874G>T on transcript NM_001999.4 (MANE Select); coding-DNA position 3874, G replaced by T.
Protein change: p.Asp1292Tyr; replaces aspartic acid 1292 with tyrosine.
Molecular consequence: missense variant.
Genome position (GRCh38, 1-based): chr5:128,335,269, C>A on the plus strand (G>T on the coding strand, the complement: FBN2 is on the minus strand). VCF-style: chr5-128335269-C-A. GRCh37 (hg19) VCF-style: chr5-127670961-C-A.
Other names: short protein forms D1292Y.
Identifiers: ClinVar variation 2502079 (VCV002502079.1), dbSNP rs1750804575, ClinGen allele CA360757509.